The following is an entry in ClinVar:

NM_000540.3(RYR1):c.10820A>G (p.Asp3607Gly)

Gene: RYR1 (ryanodine receptor 1; plus strand). Cytogenetic location: 19q13.2.
Variant type: single nucleotide variant.
Coding change: c.10820A>G on transcript NM_000540.3 (MANE Select); coding-DNA position 10820, A replaced by G.
Protein change: p.Asp3607Gly; replaces aspartic acid 3607 with glycine.
Molecular consequence: missense variant.
Genome position (GRCh38, 1-based): chr19:38,527,780, A>G. VCF-style: chr19-38527780-A-G. GRCh37 (hg19) VCF-style: chr19-39018420-A-G.
Other names: c.10805A>G, p.Asp3602Gly (NM_001042723.2); short protein forms D3607G, D3602G.
Identifiers: ClinVar variation 939301 (VCV000939301.9), dbSNP rs1432880563, ClinGen allele CA405647511.
Genomic context (GRCh38, chr19:38,527,780, plus strand): 5'-ATGACCCCGAGAAAATCGTGCGCAGAGTCCAGGAAGTGTCAGCCGTGCTCTACTACCTGG[A>G]CCAGGTGGGTGGGGCCGGAGGGGTCTTTCTACTGGGTCTCTGGGCGGAGCCTGGCGGGGG-3'
Protein context (NP_000531.2, residues 3597-3617): QEVSAVLYYL[Asp3607Gly]QTEHPYKSKK

ClinVar aggregate classification (germline): Uncertain significance (1 of 4 stars; one submission).

Conditions:
RYR1-related disorder. Also called: RYR1-related disorders; RYR1-related condition. Identifiers: MedGen CN239331.

Allele frequency attached by ClinVar (database versions not stated): gnomAD exomes below 0.00001.
gnomAD v4.1: 2 of 1,612,868 alleles (0.00012%); highest among the groups gnomAD compares: South Asian, 0.0022%; no homozygotes.

Submission:

Labcorp Genetics (formerly Invitae), Labcorp
Classification: Uncertain significance for RYR1-related disorder. Last evaluated: 2019-08-24. Review status: criteria provided, single submitter. Criteria: Invitae Variant Classification Sherloc (09022015). Collection method: clinical testing. Allele origin: germline.
Comment: This variant has not been reported in the literature in individuals with RYR1-related conditions. In summary, the available evidence is currently insufficient to determine the role of this variant in disease. Therefore, it has been classified as a Variant of Uncertain Significance. Algorithms developed to predict the effect of missense changes on protein structure and function are either unavailable or do not agree on the potential impact of this missense change (SIFT: "Deleterious"; PolyPhen-2: "Benign"; Align-GVGD: "Class C0"). This variant is not present in population databases (ExAC no frequency). This sequence change replaces aspartic acid with glycine at codon 3607 of the RYR1 protein (p.Asp3607Gly). The aspartic acid residue is weakly conserved and there is a moderate physicochemical difference between aspartic acid and glycine.